The following is an entry in ClinVar:

ClinVar aggregate classification (germline): Benign. Review status: criteria provided, multiple submitters, no conflicts (2 of 4 stars). 2 submissions from 2 submitters: Benign (2). Last evaluated 2025-05-01.

Allele frequency attached by ClinVar (database versions not stated): 1000 Genomes Project 30x 0.00203; 1000 Genomes Project 0.00220; TOPMed 0.00756; ESP Exome Variant Server 0.01038.
gnomAD v4.1: 16,653 of 1,610,154 alleles (1%); highest among the groups gnomAD compares: Non-Finnish European, 1.3%; 136 homozygotes.

Submissions (2):

CeGaT Center for Human Genetics Tuebingen
Classification: Benign. Last evaluated: 2025-05-01. Review status: criteria provided, single submitter. Criteria: CeGaT Center For Human Genetics Tuebingen Variant Classification Criteria Version 2. Collection method: clinical testing. Allele origin: germline. Affected: yes. Observed: 2 variant alleles.
Comment: CORIN: BP4, BP7, BS1, BS2

Labcorp Genetics (formerly Invitae), Labcorp
Classification: Benign. Last evaluated: 2019-12-31. Review status: criteria provided, single submitter. Criteria: Invitae Variant Classification Sherloc (09022015). Collection method: clinical testing. Allele origin: germline.

NM_006587.4(CORIN):c.2289C>T (p.Thr763=)

Gene: CORIN (corin, serine peptidase; minus strand). Cytogenetic location: 4p12.
Variant type: single nucleotide variant.
Coding change: c.2289C>T on transcript NM_006587.4 (MANE Select); coding-DNA position 2289, C replaced by T.
Protein change: p.Thr763=; no amino-acid change (threonine 763 retained).
Molecular consequence: synonymous variant.
Genome position (GRCh38, 1-based): chr4:47,626,431, G>A on the plus strand (C>T on the coding strand, the complement: CORIN is on the minus strand). VCF-style: chr4-47626431-G-A. GRCh37 (hg19) VCF-style: chr4-47628448-G-A.
Other names: c.1977C>T, p.Thr659= (NM_001278585.2).
Identifiers: ClinVar variation 784610 (VCV000784610.24), dbSNP rs61759683, ClinGen allele CA2909390.